The following is an entry in ClinVar:

ClinVar aggregate classification (germline): Uncertain significance (1 of 4 stars; one submission).

Conditions:
Cohen syndrome (COH1). Also called: PEPPER SYNDROME; Cutis verticis gyrata, retinitis pigmentosa, and sensorineural deafness. Identifiers: Orphanet 193, MedGen C0265223, MONDO:0008999, OMIM 216550.

Submission:

Labcorp Genetics (formerly Invitae), Labcorp
Classification: Uncertain significance for Cohen syndrome. Last evaluated: 2022-09-07. Review status: criteria provided, single submitter. Criteria: Invitae Variant Classification Sherloc (09022015). Collection method: clinical testing. Allele origin: germline.
Comment: Algorithms developed to predict the effect of missense changes on protein structure and function are either unavailable or do not agree on the potential impact of this missense change (SIFT: "Not Available"; PolyPhen-2: "Possibly Damaging"; Align-GVGD: "Not Available"). In summary, the available evidence is currently insufficient to determine the role of this variant in disease. Therefore, it has been classified as a Variant of Uncertain Significance. ClinVar contains an entry for this variant (Variation ID: 1484485). This variant has not been reported in the literature in individuals affected with VPS13B-related conditions. This variant is not present in population databases (gnomAD no frequency). This sequence change replaces leucine, which is neutral and non-polar, with proline, which is neutral and non-polar, at codon 3996 of the VPS13B protein (p.Leu3996Pro).

NM_152564.5(VPS13B):c.11912T>C (p.Leu3971Pro)

Gene: VPS13B (vacuolar protein sorting 13 homolog B; plus strand). Cytogenetic location: 8q22.2.
Variant type: single nucleotide variant.
Coding change: c.11912T>C on transcript NM_152564.5 (MANE Select); coding-DNA position 11912, T replaced by C.
Protein change: p.Leu3971Pro; replaces leucine 3971 with proline.
Molecular consequence: missense variant.
Genome position (GRCh38, 1-based): chr8:99,875,584, T>C. VCF-style: chr8-99875584-T-C. GRCh37 (hg19) VCF-style: chr8-100887812-T-C.
Other names: c.11987T>C, p.Leu3996Pro (NM_017890.5); short protein forms L3971P, L3996P.
Identifiers: ClinVar variation 1484485 (VCV001484485.6), dbSNP rs2130990713, ClinGen allele CA371795995.